The following is an entry in ClinVar:

ClinVar aggregate classification (germline): Conflicting classifications of pathogenicity. Review status: criteria provided, conflicting classifications (1 of 4 stars). 6 submissions from 6 submitters: Uncertain significance (2); Benign (1); Likely benign (3). Last evaluated 2026-09-14.

Conditions:
Hereditary cancer-predisposing syndrome. Also called: Tumor predisposition; Hereditary Cancer Syndrome; Hereditary neoplastic syndrome; Neoplastic Syndromes, Hereditary. Identifiers: Orphanet 140162, MedGen C0027672, MeSH D009386, MONDO:0015356.
ATM-related cancer predisposition. Also called: ATM-related cancer susceptibility. Identifiers: MedGen CN377759, MONDO:0700270.
Familial cancer of breast. Also called: Hereditary breast cancer; hereditary breast carcinoma; BREAST CANCER, FAMILIAL. Identifiers: Orphanet 227535, MedGen C0346153, MONDO:0016419, OMIM 114480. Disease mechanism: loss of function.
Ataxia-telangiectasia syndrome (AT). Also called: Ataxia-telangiectasia, complementation group E; Ataxia telangiectasia (A-T); LOUIS-BAR SYNDROME; Cerebello-oculocutaneous telangiectasia; Immunodeficiency with ataxia telangiectasia; Ataxia-telangiectasia, complementation group D. Identifiers: Orphanet 100, MedGen C0004135, MONDO:0008840, OMIM 208900.

Allele frequency attached by ClinVar (database versions not stated): TOPMed 0.00001.
gnomAD v4.1: 4 of 1,613,830 alleles (0.00025%); highest among the groups gnomAD compares: African/African-American, 0.004%; no homozygotes.

Submissions (6):

Hema, HEMA – Genetic and Molecular Diagnostic Laboratory
Classification: Uncertain significance for ATM-related cancer predisposition. Last evaluated: 2026-09-14. Review status: criteria provided, single submitter. Criteria: HEMA Variant Classification Assertion Criteria. Collection method: clinical testing. Allele origin: germline.
Comment: The c.1176C>T (p.Gly392=) variant is a synonymous variant in codon 392 of ATM. PP3: According to the splicing predictor SpliceAI, the variant affects splicing (loss of acceptor score = 0.22 ≥ 0.2; loss of donor score = 0.27 ≥ 0.2).

Labcorp Genetics (formerly Invitae), Labcorp
Classification: Likely benign for Ataxia-telangiectasia syndrome. Last evaluated: 2025-06-08. Review status: criteria provided, single submitter. Criteria: Invitae Variant Classification Sherloc (09022015). Collection method: clinical testing. Allele origin: germline.

Color Diagnostics, LLC DBA Color Health
Classification: Likely benign for Hereditary cancer-predisposing syndrome. Last evaluated: 2024-10-07. Review status: criteria provided, single submitter. Criteria: ACMG Guidelines, 2015. Collection method: clinical testing. Allele origin: germline.

Myriad Genetics, Inc.
Classification: Benign for Familial cancer of breast. Last evaluated: 2024-04-25. Review status: criteria provided, single submitter. Criteria: Myriad Autosomal Dominant, Autosomal Recessive and X-Linked Classification Criteria (2023). Collection method: clinical testing. Allele origin: unknown.
Comment: This variant is considered benign. This variant is a silent/synonymous amino acid change and it is not expected to impact splicing.

Fulgent Genetics
Classification: Uncertain significance for Familial cancer of breast; Ataxia-telangiectasia syndrome. Last evaluated: 2024-03-14. Review status: criteria provided, single submitter. Criteria: ACMG Guidelines, 2015. Collection method: clinical testing. Allele origin: germline.

Ambry Genetics
Classification: Likely benign for Hereditary cancer-predisposing syndrome. Last evaluated: 2016-09-08. Review status: criteria provided, single submitter. Criteria: Ambry Variant Classification Scheme 2023. Collection method: clinical testing. Allele origin: germline.

NM_000051.4(ATM):c.1176C>T (p.Gly392=)

Gene: ATM (ATM serine/threonine kinase; plus strand). Cytogenetic location: 11q22.3.
Variant type: single nucleotide variant.
Coding change: c.1176C>T on transcript NM_000051.4 (MANE Select); coding-DNA position 1176, C replaced by T.
Protein change: p.Gly392=; no amino-acid change (glycine 392 retained).
Molecular consequence: synonymous variant.
Genome position (GRCh38, 1-based): chr11:108,249,043, C>T. VCF-style: chr11-108249043-C-T. GRCh37 (hg19) VCF-style: chr11-108119770-C-T.
Other names: c.1176C>T, p.Gly392= (NM_001351834.2).
Identifiers: ClinVar variation 482637 (VCV000482637.18), dbSNP rs1800727, ClinGen allele CA476671760.